The following is an entry in ClinVar:

NM_030665.4(RAI1):c.5156T>C (p.Leu1719Pro)

Gene: RAI1 (retinoic acid induced 1; plus strand). Cytogenetic location: 17p11.2.
Variant type: single nucleotide variant.
Coding change: c.5156T>C on transcript NM_030665.4 (MANE Select); coding-DNA position 5156, T replaced by C.
Protein change: p.Leu1719Pro; replaces leucine 1719 with proline.
Molecular consequence: missense variant.
Genome position (GRCh38, 1-based): chr17:17,798,104, T>C. VCF-style: chr17-17798104-T-C. GRCh37 (hg19) VCF-style: chr17-17701418-T-C.
Other names: short protein forms L1719P.
Identifiers: ClinVar variation 3572819 (VCV003572819.1).
Genomic context (GRCh38, chr17:17,798,104, plus strand): 5'-TTGGGGACCTCTGTGGGCCCTACTACCCTGAACACTGCCTCCCCAAAAAGAAGCCAAAAC[T>C]CAAGGAGAAGGTGCGGCCAGAAGGCACCTGTGAGGAGGCCTCGCTGCCGCTTGAGAGAAC-3'
Protein context (NP_109590.3, residues 1709-1729): EHCLPKKKPK[Leu1719Pro]KEKVRPEGTC

ClinVar aggregate classification (germline): Uncertain significance (1 of 4 stars; one submission).

Submission:

GeneDx
Classification: Uncertain significance. Last evaluated: 2024-07-10. Review status: criteria provided, single submitter. Criteria: GeneDx Variant Classification Process June 2021. Collection method: clinical testing. Allele origin: germline. Affected: yes.
Comment: Not observed at significant frequency in large population cohorts (gnomAD); In silico analysis indicates that this missense variant does not alter protein structure/function; Has not been previously published as pathogenic or benign to our knowledge